The following is an entry in ClinVar:

NM_198428.3(BBS9):c.1812del (p.Glu604fs)

Gene: BBS9 (Bardet-Biedl syndrome 9; plus strand). Cytogenetic location: 7p14.3.
Variant type: Deletion.
Coding change: c.1812del on transcript NM_198428.3 (MANE Select); coding-DNA position 1812, one base deleted (A; older notation c.1812delA).
Protein change: p.Glu604fs; shifts the reading frame from glutamic acid 604.
Molecular consequence: frameshift variant. On other transcripts: non-coding transcript variant (3).
Genome position (GRCh38, 1-based): chr7:33,383,688, A deleted; the last of 2 consecutive A bases (chr7:33,383,687-33,383,688); deleting either gives the same sequence. VCF-style (leftmost placement, unchanged base first): chr7-33383686-GA-G. GRCh37 (hg19) VCF-style: chr7-33423298-GA-G.
Other names: c.1707del, p.Glu569fs (NM_001033604.2); c.1797del, p.Glu599fs (NM_001033605.2); c.1812del, p.Glu604fs (NM_001348036.1, NM_001348041.4, NM_001348043.3 and 1 more transcripts); c.1446del, p.Glu482fs (NM_001348037.3, NM_001348045.3, NM_001348046.3); c.1539del, p.Glu513fs (NM_001348038.3); c.1434del, p.Glu478fs (NM_001348039.3); c.1692del, p.Glu564fs (NM_001348040.3, NM_014451.4); c.1677del, p.Glu559fs (NM_001348042.3); and 2 more; short protein forms E559fs, E564fs, E482fs, E513fs, E569fs, E599fs, E478fs, E447fs.
Identifiers: ClinVar variation 632504 (VCV000632504.14), dbSNP rs1229015450, ClinGen allele CA573762400.

ClinVar aggregate classification (germline): Pathogenic/Likely pathogenic. Review status: criteria provided, multiple submitters, no conflicts (2 of 4 stars). 4 submissions from 4 submitters: Pathogenic (1); Likely pathogenic (3). Last evaluated 2025-05-16.

Conditions:
BBS9-related disorder. Also called: BBS9-related condition.
Bardet-Biedl syndrome (BBS). Identifiers: Orphanet 110, MedGen C0752166, MONDO:0015229.
Bardet-Biedl syndrome 9 (BBS9). Identifiers: Orphanet 110, MedGen C1859567, MONDO:0014437, OMIM 615986.

Submissions (4):

PreventionGenetics, part of Exact Sciences
Classification: Likely pathogenic for BBS9-related condition. Last evaluated: 2025-05-16. Review status: criteria provided, single submitter. Criteria: ACMG Guidelines, 2015. Collection method: clinical testing. Allele origin: germline.
Comment: The BBS9 c.1812delA variant is predicted to result in a frameshift and premature protein termination (p.Glu604Aspfs*9). To our knowledge, this variant has not been reported in the literature. This variant is reported in 0.0056% of alleles in individuals of European (Non-Finnish) descent in gnomAD. Frameshift variants in BBS9 are expected to be pathogenic (see, for example, Nishimura et al. 2005. PubMed ID: 16380913). This variant is interpreted as likely pathogenic.

Fulgent Genetics
Classification: Likely pathogenic for Bardet-Biedl syndrome 9. Last evaluated: 2024-06-13. Review status: criteria provided, single submitter. Criteria: ACMG Guidelines, 2015. Collection method: clinical testing. Allele origin: germline.

Labcorp Genetics (formerly Invitae), Labcorp
Classification: Pathogenic for Bardet-Biedl syndrome. Last evaluated: 2024-06-05. Review status: criteria provided, single submitter. Criteria: Invitae Variant Classification Sherloc (09022015). Collection method: clinical testing. Allele origin: germline.
Comment: This sequence change creates a premature translational stop signal (p.Glu604Aspfs*9) in the BBS9 gene. It is expected to result in an absent or disrupted protein product. Loss-of-function variants in BBS9 are known to be pathogenic (PMID: 16380913, 20177705). This variant is present in population databases (no rsID available, gnomAD 0.006%). This variant has not been reported in the literature in individuals affected with BBS9-related conditions. ClinVar contains an entry for this variant (Variation ID: 632504). For these reasons, this variant has been classified as Pathogenic.

Baylor Genetics
Classification: Likely pathogenic for Bardet-Biedl syndrome 9. Last evaluated: 2023-09-19. Review status: criteria provided, single submitter. Criteria: ACMG Guidelines, 2015. Collection method: clinical testing. Allele origin: unknown.

Literature cited by the submitters: PubMed 16380913 (cited by Labcorp Genetics (formerly Invitae), Labcorp); PubMed 20177705 (cited by Labcorp Genetics (formerly Invitae), Labcorp).